The following is an entry in ClinVar:

NM_001330260.2(SCN8A):c.3655G>A (p.Asp1219Asn)

Gene: SCN8A (sodium voltage-gated channel alpha subunit 8; plus strand). Cytogenetic location: 12q13.13.
Variant type: single nucleotide variant.
Coding change: c.3655G>A on transcript NM_001330260.2 (MANE Select); coding-DNA position 3655, G replaced by A.
Protein change: p.Asp1219Asn; replaces aspartic acid 1219 with asparagine.
Molecular consequence: missense variant.
Genome position (GRCh38, 1-based): chr12:51,774,198, G>A. VCF-style: chr12-51774198-G-A. GRCh37 (hg19) VCF-style: chr12-52167982-G-A.
Other names: c.3655G>A, p.Asp1219Asn (NM_001177984.3, NM_001369788.1, NM_014191.4); short protein forms D1219N.
Identifiers: ClinVar variation 4630334 (VCV004630334.1).

ClinVar aggregate classification (germline): Uncertain significance (1 of 4 stars; one submission).

Conditions:
Inborn genetic diseases. Identifiers: MedGen C0950123, MeSH D030342.

Submission:

Ambry Genetics
Classification: Uncertain significance for Inborn genetic diseases. Last evaluated: 2025-11-06. Review status: criteria provided, single submitter. Criteria: Ambry Variant Classification Scheme 2023. Collection method: clinical testing. Allele origin: germline.
Comment: The c.3655G>A (p.D1219N) alteration is located in exon 20 (coding exon 19) of the SCN8A gene. This alteration results from a G to A substitution at nucleotide position 3655, causing the aspartic acid (D) at amino acid position 1219 to be replaced by an asparagine (N). This variant was not reported in population-based cohorts in the Genome Aggregation Database (gnomAD). This amino acid position is highly conserved in available vertebrate species. This alteration is predicted to be deleterious by in silico analysis. Based on insufficient or conflicting evidence, the clinical significance of this alteration remains unclear.